The following is an entry in ClinVar:

NM_194318.4(B3GLCT):c.127G>A (p.Glu43Lys)

Gene: B3GLCT (beta 3-glucosyltransferase; plus strand). Cytogenetic location: 13q12.3.
Variant type: single nucleotide variant.
Coding change: c.127G>A on transcript NM_194318.4 (MANE Select); coding-DNA position 127, G replaced by A.
Protein change: p.Glu43Lys; replaces glutamic acid 43 with lysine.
Molecular consequence: missense variant.
Genome position (GRCh38, 1-based): chr13:31,222,958, G>A. VCF-style: chr13-31222958-G-A. GRCh37 (hg19) VCF-style: chr13-31797095-G-A.
Other names: short protein forms E43K.
Identifiers: ClinVar variation 835356 (VCV000835356.7), dbSNP rs779035727, ClinGen allele CA6936466.

ClinVar aggregate classification (germline): Uncertain significance (1 of 4 stars; one submission).

Conditions:
Peters plus syndrome. Also called: KRAUSE-KIVLIN SYNDROME. Identifiers: Orphanet 709, MedGen C0796012, MONDO:0009856, OMIM 261540.

Allele frequency attached by ClinVar (database versions not stated): ExAC 0.00001; gnomAD exomes 0.00002; gnomAD 0.00005 and 0.00006; TOPMed 0.00007.

Submission:

Labcorp Genetics (formerly Invitae), Labcorp
Classification: Uncertain significance for Peters plus syndrome. Last evaluated: 2021-08-28. Review status: criteria provided, single submitter. Criteria: Invitae Variant Classification Sherloc (09022015). Collection method: clinical testing. Allele origin: germline.
Comment: This sequence change replaces glutamic acid with lysine at codon 43 of the B3GLCT protein (p.Glu43Lys). The glutamic acid residue is weakly conserved and there is a small physicochemical difference between glutamic acid and lysine. This variant is present in population databases (rs779035727, ExAC 0.009%). This variant has not been reported in the literature in individuals affected with B3GLCT-related conditions. Algorithms developed to predict the effect of missense changes on protein structure and function output the following: SIFT: "Tolerated"; PolyPhen-2: "Benign"; Align-GVGD: "Class C0". The lysine amino acid residue is found in multiple mammalian species, which suggests that this missense change does not adversely affect protein function. In summary, the available evidence is currently insufficient to determine the role of this variant in disease. Therefore, it has been classified as a Variant of Uncertain Significance.